The following is an entry in ClinVar:

ClinVar aggregate classification (germline): Uncertain significance. Review status: criteria provided, multiple submitters, no conflicts (2 of 4 stars). 3 submissions from 3 submitters: Uncertain significance (3). Last evaluated 2024-11-25.

Conditions:
Inborn genetic diseases. Identifiers: MedGen C0950123, MeSH D030342.
Early-infantile DEE. Also called: Early infantile epileptic encephalopathy; Ohtahara syndrome; Early infantile epileptic encephalopathy with suppression bursts. Identifiers: Orphanet 1934, MedGen C0393706, MONDO:0800491.

Allele frequency attached by ClinVar (database versions not stated): gnomAD exomes below 0.00001 and 0.00001; ExAC 0.00001; gnomAD 0.00001; TOPMed 0.00001.
gnomAD v4.1: 8 of 1,613,988 alleles (0.0005%); highest among the groups gnomAD compares: South Asian, 0.0011%; no homozygotes.

Submissions (3):

Ambry Genetics
Classification: Uncertain significance for Inborn genetic diseases. Last evaluated: 2024-11-25. Review status: criteria provided, single submitter. Criteria: Ambry Variant Classification Scheme 2023. Collection method: clinical testing. Allele origin: germline.

GeneDx
Classification: Uncertain significance. Last evaluated: 2024-09-21. Review status: criteria provided, single submitter. Criteria: GeneDx Variant Classification Process June 2021. Collection method: clinical testing. Allele origin: germline. Affected: yes.
Comment: Not observed at significant frequency in large population cohorts (gnomAD); In silico analysis supports that this missense variant has a deleterious effect on protein structure/function; Has not been previously published as pathogenic or benign to our knowledge; This substitution is predicted to be within the cytoplasmic loop between the first and second homologous domains

Labcorp Genetics (formerly Invitae), Labcorp
Classification: Uncertain significance for Early-infantile DEE. Last evaluated: 2021-03-07. Review status: criteria provided, single submitter. Criteria: Invitae Variant Classification Sherloc (09022015). Collection method: clinical testing. Allele origin: germline.
Comment: Advanced modeling of protein sequence and biophysical properties (such as structural, functional, and spatial information, amino acid conservation, physicochemical variation, residue mobility, and thermodynamic stability) performed at Invitae indicates that this missense variant is not expected to disrupt SCN1A protein function. In summary, the available evidence is currently insufficient to determine the role of this variant in disease. Therefore, it has been classified as a Variant of Uncertain Significance. This variant has not been reported in the literature in individuals with SCN1A-related conditions. This variant is present in population databases (rs762975379, ExAC 0.006%). This sequence change replaces leucine with phenylalanine at codon 556 of the SCN1A protein (p.Leu556Phe). The leucine residue is highly conserved and there is a small physicochemical difference between leucine and phenylalanine.

NM_001165963.4(SCN1A):c.1668G>T (p.Leu556Phe)

Gene: SCN1A (sodium voltage-gated channel alpha subunit 1; minus strand). Cytogenetic location: 2q24.3.
Variant type: single nucleotide variant.
Coding change: c.1668G>T on transcript NM_001165963.4 (MANE Select); coding-DNA position 1668, G replaced by T.
Protein change: p.Leu556Phe; replaces leucine 556 with phenylalanine.
Molecular consequence: missense variant. On other transcripts: 5 prime UTR variant (1), non-coding transcript variant (1).
Genome position (GRCh38, 1-based): chr2:166,044,044, C>A on the plus strand (G>T on the coding strand, the complement: SCN1A is on the minus strand). VCF-style: chr2-166044044-C-A. GRCh37 (hg19) VCF-style: chr2-166900554-C-A.
Other names: c.1668G>T, p.Leu556Phe (NM_001165964.3, NM_001202435.3, NM_001353948.2 and 7 more transcripts); c.1665G>T, p.Leu555Phe (NM_001353954.2, NM_001353955.2, NM_001353960.2); c.-758G>T (NM_001353961.2); c.1668G>T (NM_001165963.1); short protein forms L555F, L556F.
Identifiers: ClinVar variation 1360936 (VCV001360936.11), dbSNP rs762975379, ClinGen allele CA1943265.